The following is an entry in ClinVar:

ClinVar aggregate classification (germline): Pathogenic. Review status: reviewed by expert panel (3 of 4 stars). 2 submissions from 2 submitters: Pathogenic (1). 1 of the submissions does not count toward it. Last evaluated 2017-12-15.

Conditions:
Familial cancer of breast. Also called: hereditary breast carcinoma; BREAST CANCER, FAMILIAL; Hereditary breast cancer. Identifiers: Orphanet 227535, MedGen C0346153, MONDO:0016419, OMIM 114480. Disease mechanism: loss of function.
Breast-ovarian cancer, familial, susceptibility to, 1 (BROVCA1). Also called: BRCA1 Hereditary Breast and Ovarian Cancer; OVARIAN CANCER, SUSCEPTIBILITY TO. Identifiers: Orphanet 145, MedGen C2676676, MONDO:0011450, OMIM 604370. Disease mechanism: loss of function.

Submissions (2):

Evidence-based Network for the Interpretation of Germline Mutant Alleles (ENIGMA)
Classification: Pathogenic for Breast-ovarian cancer, familial, susceptibility to, 1. Last evaluated: 2017-12-15. Review status: reviewed by expert panel. Criteria: ENIGMA BRCA1/2 Classification Criteria (2017-06-29). Collection method: curation. Allele origin: germline. Study: ENIGMA.
Comment: Variant allele predicted to encode a truncated non-functional protein.

ClinVar Staff, National Center for Biotechnology Information (NCBI)
No classification provided. Condition: Familial cancer of breast. Review status: no classification provided. Collection method: literature only. Allele origin: germline. Affected: yes. Not counted in ClinVar's aggregate classification.

Literature cited by the submitters: PubMed 11595708 (cited by ClinVar Staff, National Center for Biotechnology Information (NCBI)).

NM_007294.4(BRCA1):c.3927_3930del (p.Asn1309fs)

Genes: BRCA1 (BRCA1 DNA repair associated; minus strand), LOC126862571 (BRD4-independent group 4 enhancer GRCh37_chr17:41243136-41244335; plus strand). Cytogenetic location: 17q21.31.
Variant type: Deletion.
Coding change: c.3927_3930del on transcript NM_007294.4 (MANE Select); coding-DNA positions 3927 to 3930, 4 bases deleted (TACA; older notation c.3927_3930delTACA).
Protein change: p.Asn1309fs; shifts the reading frame from asparagine 1309.
Molecular consequence: frameshift variant. On other transcripts: intron variant (135).
Genome position (GRCh38, 1-based): chr17:43,091,601-43,091,604, TGTA deleted on the plus strand (TACA on the coding strand, the reverse complement: BRCA1 is on the minus strand); deleting any 4 consecutive bases within chr17:43,091,601-43,091,605 gives the same sequence; the c. name uses the placement nearest the transcript's 3' end. VCF-style (leftmost placement, unchanged base first): chr17-43091600-TTGTA-T. GRCh37 (hg19) VCF-style: chr17-41243617-TTGTA-T.
Other names: c.3924_3927del, p.Asn1308fs (NM_001407635.1, NM_001407636.1, NM_001407637.1 and 22 more transcripts); c.3927_3930del, p.Asn1309fs (NM_001407639.1, NM_001407640.1, NM_001407641.1 and 30 more transcripts); c.3918_3921del, p.Asn1306fs (NM_001407646.1, NM_001407647.1); c.3804_3807del, p.Asn1268fs (NM_001407648.1, NM_001407664.1, NM_001407665.1 and 19 more transcripts); c.3801_3804del, p.Asn1267fs (NM_001407649.1, NM_001407670.1, NM_001407671.1 and 11 more transcripts); c.3849_3852del, p.Asn1283fs (NM_001407653.1, NM_001407654.1, NM_001407655.1 and 4 more transcripts); c.3846_3849del, p.Asn1282fs (NM_001407659.1, NM_001407660.1, NM_001407661.1 and 1 more transcripts); c.3786_3789del, p.Asn1262fs (NM_001407692.1, NM_001407694.1, NM_001407695.1 and 29 more transcripts); and 42 more; short protein forms N1309fs, N1262fs, N1238fs, N1239fs, N1241fs, N1242fs, N1182fs, N1197fs.
Identifiers: ClinVar variation 55052 (VCV000055052.3), dbSNP rs397509120, ClinGen allele CA002523.